The following is an entry in ClinVar:

NM_030582.4(COL18A1):c.3376_3381del (p.Pro1126_Arg1127del)

Genes: COL18A1 (collagen type XVIII alpha 1 chain; plus strand), SLC19A1 (solute carrier family 19 member 1; minus strand). Cytogenetic location: 21q22.3.
Variant type: Deletion.
Coding change: c.3376_3381del on transcript NM_030582.4; coding-DNA positions 3376 to 3381, 6 bases deleted (CCACGT; older notation c.3376_3381delCCACGT).
Protein change: p.Pro1126_Arg1127del.
Molecular consequence: inframe deletion.
Genome position (GRCh38, 1-based): chr21:45,504,533-45,504,538, CCACGT deleted. VCF-style (leftmost placement, unchanged base first): chr21-45504532-CCCACGT-C. GRCh37 (hg19) VCF-style: chr21-46924446-CCCACGT-C.
Other names: c.4081_4086del, p.Pro1361_Arg1362del (NM_130444.3).
Identifiers: ClinVar variation 3034697 (VCV003034697.1), dbSNP rs2517784046, ClinGen allele CA2740094753.

ClinVar aggregate classification (germline): Likely benign (1 of 4 stars; one submission).

Conditions:
COL18A1-related disorder. Also called: COL18A1-related disorders; COL18A1-related condition.

Submission:

PreventionGenetics, part of Exact Sciences
Classification: Likely benign for COL18A1-related condition. Last evaluated: 2020-07-30. Review status: criteria provided, single submitter. Criteria: ACMG Guidelines, 2015. Collection method: clinical testing. Allele origin: germline.
Comment: This variant is classified as likely benign based on ACMG/AMP sequence variant interpretation guidelines (Richards et al. 2015 PMID: 25741868, with internal and published modifications).